The following is an entry in ClinVar:

NM_000301.5(PLG):c.1096+14del

Gene: PLG (plasminogen; plus strand). Cytogenetic location: 6q26.
Variant type: Deletion.
Coding change: c.1096+14del on transcript NM_000301.5 (MANE Select); 14 bases into the intron after coding-DNA position 1096, one base deleted (T; older notation c.1096+14delT).
Molecular consequence: intron variant.
Genome position (GRCh38, 1-based): chr6:160,718,852, T deleted. VCF-style (leftmost placement, unchanged base first): chr6-160718851-AT-A. GRCh37 (hg19) VCF-style: chr6-161139883-AT-A.
Other names: c.1096+14delT (NM_000301.5).
Identifiers: ClinVar variation 1991937 (VCV001991937.6), dbSNP rs761277359, ClinGen allele CA4087665.

ClinVar aggregate classification (germline): Likely benign. Review status: criteria provided, multiple submitters, no conflicts (2 of 4 stars). 3 submissions from 3 submitters: Likely benign (3). Last evaluated 2025-04-14.

Allele frequency attached by ClinVar (database versions not stated): TOPMed below 0.00001; gnomAD 0.00001; gnomAD exomes 0.00005; ExAC 0.00009.

Submissions (3):

Labcorp Genetics (formerly Invitae), Labcorp
Classification: Likely benign. Last evaluated: 2025-04-14. Review status: criteria provided, single submitter. Criteria: Invitae Variant Classification Sherloc (09022015). Collection method: clinical testing. Allele origin: germline.

Women's Health and Genetics/Laboratory Corporation of America, LabCorp
Classification: Likely benign. Last evaluated: 2025-02-26. Review status: criteria provided, single submitter. Criteria: LabCorp Variant Classification Summary - May 2015. Collection method: clinical testing. Allele origin: germline.
Comment: Variant summary: PLG c.1096+14delT alters a nucleotide located at a position not widely known to affect splicing. Consensus agreement among computation tools predict no significant impact on normal splicing. However, these predictions have yet to be confirmed by functional studies. The variant allele was found at a frequency of 0.0001 in 250812 control chromosomes (gnomAD). This frequency is not significantly higher than estimated for a pathogenic variant in PLG causing Plasminogen Deficiency (0.0001 vs 0.0011), allowing no conclusion about variant significance. To our knowledge, no occurrence of c.1096+14delT in individuals affected with Plasminogen Deficiency and no experimental evidence demonstrating its impact on protein function have been reported. ClinVar contains an entry for this variant (Variation ID: 1991937). Based on the evidence outlined above, the variant was classified as likely benign.

Blueprint Genetics
Classification: Likely benign. Last evaluated: 2024-04-18. Review status: criteria provided, single submitter. Criteria: ACMG Guidelines, 2015. Collection method: clinical testing. Allele origin: germline.